The following is an entry in ClinVar:

ClinVar aggregate classification (germline): Uncertain significance. Review status: criteria provided, multiple submitters, no conflicts (2 of 4 stars). 2 submissions from 2 submitters: Uncertain significance (2). Last evaluated 2025-06-06.

Conditions:
Hereditary cancer-predisposing syndrome. Also called: Neoplastic Syndromes, Hereditary; Tumor predisposition; Hereditary Cancer Syndrome; Hereditary neoplastic syndrome. Identifiers: Orphanet 140162, MedGen C0027672, MeSH D009386, MONDO:0015356.
Gastrointestinal stromal tumor. Also called: Gastrointestinal stromal tumor, somatic; Gastrointestinal stroma tumor. Identifiers: Orphanet 44890, MedGen C0238198, MeSH D046152, MONDO:0011719, OMIM 606764, HP:0100723.

Submissions (2):

Ambry Genetics
Classification: Uncertain significance for Hereditary cancer-predisposing syndrome. Last evaluated: 2025-06-06. Review status: criteria provided, single submitter. Criteria: Ambry Variant Classification Scheme 2023. Collection method: clinical testing. Allele origin: germline.
Comment: The p.F905L variant (also known as c.2715C>G), located in coding exon 19 of the PDGFRA gene, results from a C to G substitution at nucleotide position 2715. The phenylalanine at codon 905 is replaced by leucine, an amino acid with highly similar properties. This amino acid position is highly conserved in available vertebrate species. In addition, this alteration is predicted to be deleterious by in silico analysis. Based on the available evidence, the clinical significance of this variant remains unclear.

Labcorp Genetics (formerly Invitae), Labcorp
Classification: Uncertain significance for Gastrointestinal stromal tumor. Last evaluated: 2024-05-26. Review status: criteria provided, single submitter. Criteria: Invitae Variant Classification Sherloc (09022015). Collection method: clinical testing. Allele origin: germline.
Comment: This sequence change replaces phenylalanine, which is neutral and non-polar, with leucine, which is neutral and non-polar, at codon 905 of the PDGFRA protein (p.Phe905Leu). This variant is not present in population databases (gnomAD no frequency). This variant has not been reported in the literature in individuals affected with PDGFRA-related conditions. Advanced modeling of protein sequence and biophysical properties (such as structural, functional, and spatial information, amino acid conservation, physicochemical variation, residue mobility, and thermodynamic stability) has been performed at Invitae for this missense variant, however the output from this modeling did not meet the statistical confidence thresholds required to predict the impact of this variant on PDGFRA protein function. In summary, the available evidence is currently insufficient to determine the role of this variant in disease. Therefore, it has been classified as a Variant of Uncertain Significance.

NM_006206.6(PDGFRA):c.2715C>G (p.Phe905Leu)

Gene: PDGFRA (platelet derived growth factor receptor alpha; plus strand). Cytogenetic location: 4q12.
Variant type: single nucleotide variant.
Coding change: c.2715C>G on transcript NM_006206.6 (MANE Select); coding-DNA position 2715, C replaced by G.
Protein change: p.Phe905Leu; replaces phenylalanine 905 with leucine.
Molecular consequence: missense variant.
Genome position (GRCh38, 1-based): chr4:54,288,839, C>G. VCF-style: chr4-54288839-C-G. GRCh37 (hg19) VCF-style: chr4-55155006-C-G.
Other names: c.2790C>G, p.Phe930Leu (NM_001347828.2); c.2715C>G, p.Phe905Leu (NM_001347829.2); c.2754C>G, p.Phe918Leu (NM_001347830.2); short protein forms F930L, F918L, F905L.
Identifiers: ClinVar variation 3690673 (VCV003690673.3).